The following is an entry in ClinVar:

NM_173551.5(ANKS6):c.2270C>G (p.Ser757Cys)

Gene: ANKS6 (ankyrin repeat and sterile alpha motif domain containing 6; minus strand). Cytogenetic location: 9q22.33.
Variant type: single nucleotide variant.
Coding change: c.2270C>G on transcript NM_173551.5 (MANE Select); coding-DNA position 2270, C replaced by G.
Protein change: p.Ser757Cys; replaces serine 757 with cysteine.
Molecular consequence: missense variant.
Genome position (GRCh38, 1-based): chr9:98,756,476, G>C on the plus strand (C>G on the coding strand, the complement: ANKS6 is on the minus strand). VCF-style: chr9-98756476-G-C. GRCh37 (hg19) VCF-style: chr9-101518758-G-C.
Other names: short protein forms S757C.
Identifiers: ClinVar variation 2430833 (VCV002430833.4), dbSNP rs373408528, ClinGen allele CA5153213.
Genomic context (GRCh38, chr9:98,756,476, plus strand): 5'-TCACCCTCATCTGTGATGGTGCCACTGCTGGAGCCCCCACTGCTCTTGGACTGCCGATGG[G>C]ATGACGAGGAAGACACTGAGGACTCTGCAGTGTGCCCTTTGGGTGAGGGGGAGGGCGTGA-3'
Protein context (NP_775822.3, residues 747-767): TAESSVSSSS[Ser757Cys]HRQSKSSGGS

ClinVar aggregate classification (germline): Uncertain significance. Review status: criteria provided, multiple submitters, no conflicts (2 of 4 stars). 2 submissions from 2 submitters: Uncertain significance (2). Last evaluated 2024-08-05.

Conditions:
Nephronophthisis 16 (NPHP16). Identifiers: Orphanet 655, MedGen C3809320, MONDO:0014158, OMIM 615382.

Allele frequency attached by ClinVar (database versions not stated): TOPMed 0.00003; ExAC 0.00006; gnomAD 0.00002; ESP Exome Variant Server 0.00008; gnomAD exomes 0.00003.
gnomAD v4.1: 46 of 1,613,614 alleles (0.0029%); highest among the groups gnomAD compares: Admixed American, 0.01%; no homozygotes.

Submissions (2):

GeneDx
Classification: Uncertain significance. Last evaluated: 2024-08-05. Review status: criteria provided, single submitter. Criteria: GeneDx Variant Classification Process June 2021. Collection method: clinical testing. Allele origin: germline.
Comment: Not observed at significant frequency in large population cohorts (gnomAD); In silico analysis indicates that this missense variant does not alter protein structure/function; Has not been previously published as pathogenic or benign to our knowledge

Revvity Omics, Revvity
Classification: Uncertain significance for Nephronophthisis 16. Last evaluated: 2021-11-29. Review status: criteria provided, single submitter. Criteria: ACMG Guidelines, 2015. Collection method: clinical testing. Allele origin: germline.